The following is an entry in ClinVar:

ClinVar aggregate classification (germline): Uncertain significance. Review status: criteria provided, multiple submitters, no conflicts (2 of 4 stars). 3 submissions from 3 submitters: Uncertain significance (2). 1 of the submissions does not count toward it. Last evaluated 2025-03-07.

Conditions:
3-methylcrotonyl-CoA carboxylase 1 deficiency (MCC1D). Also called: METHYLCROTONYLGLYCINURIA TYPE I; MCCD TYPE 1; MCC 1 deficiency; 3 Alpha methylcrotonylglycinuria 1. Identifiers: Orphanet 6, MedGen CN028786, MONDO:0008861, OMIM 210200.
MCCC1-related disorder. Also called: MCCC1-related condition.

Submissions (3):

PreventionGenetics, part of Exact Sciences
Classification: Uncertain significance for MCCC1-related condition. Last evaluated: 2025-03-07. Review status: criteria provided, single submitter. Criteria: ACMG Guidelines, 2015. Collection method: clinical testing. Allele origin: germline.
Comment: The MCCC1 c.247G>C variant is predicted to result in the amino acid substitution p.Asp83His. To our knowledge, this variant has not been reported in the literature or in a large population database (gnomAD), indicating this variant is rare. At this time, the clinical significance of this variant is uncertain due to the absence of conclusive functional and genetic evidence.

Labcorp Genetics (formerly Invitae), Labcorp
Classification: Uncertain significance for 3-methylcrotonyl-CoA carboxylase 1 deficiency. Last evaluated: 2020-10-14. Review status: criteria provided, single submitter. Criteria: Invitae Variant Classification Sherloc (09022015). Collection method: clinical testing. Allele origin: germline.
Comment: Algorithms developed to predict the effect of missense changes on protein structure and function (SIFT, PolyPhen-2, Align-GVGD) all suggest that this variant is likely to be disruptive, but these predictions have not been confirmed by published functional studies and their clinical significance is uncertain. This variant has not been reported in the literature in individuals with MCCC1-related conditions. In summary, the available evidence is currently insufficient to determine the role of this variant in disease. Therefore, it has been classified as a Variant of Uncertain Significance. This variant is not present in population databases (ExAC no frequency). This sequence change replaces aspartic acid with histidine at codon 83 of the MCCC1 protein (p.Asp83His). The aspartic acid residue is highly conserved and there is a moderate physicochemical difference between aspartic acid and histidine.

Natera, Inc.
Classification: Uncertain significance for 3-methylcrotonyl-CoA carboxylase 1 deficiency. Last evaluated: 2025-04-14. Review status: no assertion criteria provided. Collection method: clinical testing. Allele origin: germline. Not counted in ClinVar's aggregate classification.

NM_020166.5(MCCC1):c.247G>C (p.Asp83His)

Gene: MCCC1 (methylcrotonyl-CoA carboxylase subunit 1; minus strand). Cytogenetic location: 3q27.1.
Variant type: single nucleotide variant.
Coding change: c.247G>C on transcript NM_020166.5 (MANE Select); coding-DNA position 247, G replaced by C.
Protein change: p.Asp83His; replaces aspartic acid 83 with histidine.
Molecular consequence: missense variant. On other transcripts: non-coding transcript variant (1), intron variant (2).
Genome position (GRCh38, 1-based): chr3:183,092,435, C>G on the plus strand (G>C on the coding strand, the complement: MCCC1 is on the minus strand). VCF-style: chr3-183092435-C-G. GRCh37 (hg19) VCF-style: chr3-182810223-C-G.
Other names: c.-55+2124G>C (NM_001363880.1); c.44+2124G>C (NM_001293273.2); c.247G>C (NM_020166.4); short protein forms D83H.
Identifiers: ClinVar variation 1004795 (VCV001004795.9), dbSNP rs1485157465, ClinGen allele CA355321610.